The following is an entry in ClinVar:

NM_002471.4(MYH6):c.5260G>T (p.Glu1754Ter)

Gene: MYH6 (myosin heavy chain 6; minus strand). Cytogenetic location: 14q11.2.
Variant type: single nucleotide variant.
Coding change: c.5260G>T on transcript NM_002471.4 (MANE Select); coding-DNA position 5260, G replaced by T.
Protein change: p.Glu1754Ter; replaces glutamic acid 1754 with a stop codon.
Molecular consequence: nonsense.
Genome position (GRCh38, 1-based): chr14:23,384,945, C>A on the plus strand (G>T on the coding strand, the complement: MYH6 is on the minus strand). VCF-style: chr14-23384945-C-A. GRCh37 (hg19) VCF-style: chr14-23854154-C-A.
Other names: c.5260G>T (NM_002471.3); short protein forms E1754*.
Identifiers: ClinVar variation 1038650 (VCV001038650.10), dbSNP rs372270600, ClinGen allele CA7114501.

ClinVar aggregate classification (germline): Uncertain significance. Review status: criteria provided, multiple submitters, no conflicts (2 of 4 stars). 2 submissions from 2 submitters: Uncertain significance (2). Last evaluated 2025-04-17.

Conditions:
MYH6-related disorder. Also called: MYH6-Related Disorders; MYH6-related condition.
Hypertrophic cardiomyopathy 14. Identifiers: MedGen C2750467, MONDO:0013197, OMIM 613251.

Allele frequency attached by ClinVar (database versions not stated): TOPMed 0.00001; ESP Exome Variant Server 0.00008.
gnomAD v4.1: 3 of 1,614,076 alleles (0.00019%); highest among the groups gnomAD compares: African/African-American, 0.004%; no homozygotes.

Submissions (2):

PreventionGenetics, part of Exact Sciences
Classification: Uncertain significance for MYH6-related condition. Last evaluated: 2025-04-17. Review status: criteria provided, single submitter. Criteria: ACMG Guidelines, 2015. Collection method: clinical testing. Allele origin: germline.
Comment: The MYH6 c.5260G>T variant is predicted to result in premature protein termination (p.Glu1754*). This variant was reported in an individual with hypoplastic left heart syndrome (Tomita-Mitchell et al. 2016. PubMed ID: 27789736). This variant is reported in 0.012% of alleles in individuals of African descent in gnomAD and is interpreted as uncertain in ClinVar. At this time, the clinical significance of this variant is uncertain due to the absence of conclusive functional and genetic evidence.

Labcorp Genetics (formerly Invitae), Labcorp
Classification: Uncertain significance for Hypertrophic cardiomyopathy 14. Last evaluated: 2020-10-21. Review status: criteria provided, single submitter. Criteria: Invitae Variant Classification Sherloc (09022015). Collection method: clinical testing. Allele origin: germline.
Comment: In summary, the available evidence is currently insufficient to determine the role of this variant in disease. Therefore, it has been classified as a Variant of Uncertain Significance. This variant has been observed in individual(s) with hypoplastic left heart syndrome (PMID: 27789736). This variant is present in population databases (rs372270600, ExAC 0.01%). This sequence change creates a premature translational stop signal (p.Glu1754*) in the MYH6 gene. It is expected to result in an absent or disrupted protein product. However, the current clinical and genetic evidence is not sufficient to establish whether loss-of-function variants in MYH6 cause disease.

Literature cited by the submitters: PubMed 27789736 (cited by Labcorp Genetics (formerly Invitae), Labcorp).